The following is an entry in ClinVar:

NM_001114753.3(ENG):c.996_997dup (p.Arg333fs)

Gene: ENG (endoglin; minus strand). Cytogenetic location: 9q34.11.
Variant type: Duplication.
Coding change: c.996_997dup on transcript NM_001114753.3 (MANE Select); coding-DNA positions 996 to 997, 2 bases duplicated (TA; older notation c.996_997dupTA).
Protein change: p.Arg333fs; shifts the reading frame from arginine 333.
Molecular consequence: frameshift variant.
Genome position (GRCh38, 1-based): chr9:127,824,441-127,824,442, TA duplicated on the plus strand (TA on the coding strand, the reverse complement: ENG is on the minus strand). VCF-style (leftmost placement, unchanged base first): chr9-127824440-C-CTA. GRCh37 (hg19) VCF-style: chr9-130586719-C-CTA.
Other names: c.996_997dup, p.Arg333Ilefs (NM_000118.4, NM_001406715.1); c.450_451dup, p.Arg151fs (NM_001278138.2); short protein forms R151fs, R333fs.
Identifiers: ClinVar variation 1442387 (VCV001442387.8), dbSNP rs2131886094, ClinGen allele CA2573143990.
Genomic context (GRCh38, chr9:127,824,440, plus strand): 5'-TCCGGGCTACAAGTGTCCTTGGGAGGAGTGGTCTGGATCGGTGCGGGTGAGGTCTGCAGC[C>CTA]TACCACCTGTGGGGTAGCAGAGGCAGGCCAGGCGGCTGGTCACTGTGTGATCACTGTGTG-3'

ClinVar aggregate classification (germline): Pathogenic (1 of 4 stars; one submission).

Conditions:
Hereditary hemorrhagic telangiectasia (HHT). Also called: ORW DISEASE; Osler Weber Rendu syndrome; OSLER-RENDU-WEBER DISEASE; Osler hemorrhagic telangiectasia syndrome. Identifiers: Orphanet 774, MedGen C0039445, MONDO:0019180. Disease mechanism: loss of function.

Submission:

Labcorp Genetics (formerly Invitae), Labcorp
Classification: Pathogenic for Hereditary hemorrhagic telangiectasia. Last evaluated: 2024-11-24. Review status: criteria provided, single submitter. Criteria: Invitae Variant Classification Sherloc (09022015). Collection method: clinical testing. Allele origin: germline.
Comment: This sequence change creates a premature translational stop signal (p.Arg333Ilefs*27) in the ENG gene. It is expected to result in an absent or disrupted protein product. Loss-of-function variants in ENG are known to be pathogenic (PMID: 15879500). This variant is not present in population databases (gnomAD no frequency). This variant has not been reported in the literature in individuals affected with ENG-related conditions. ClinVar contains an entry for this variant (Variation ID: 1442387). For these reasons, this variant has been classified as Pathogenic.

Literature cited by the submitters: PubMed 15879500.